The following is an entry in ClinVar:

NM_024529.5(CDC73):c.433T>C (p.Cys145Arg)

Gene: CDC73 (cell division cycle 73; plus strand). Cytogenetic location: 1q31.2.
Variant type: single nucleotide variant.
Coding change: c.433T>C on transcript NM_024529.5 (MANE Select); coding-DNA position 433, T replaced by C.
Protein change: p.Cys145Arg; replaces cysteine 145 with arginine.
Molecular consequence: missense variant.
Genome position (GRCh38, 1-based): chr1:193,138,094, T>C. VCF-style: chr1-193138094-T-C. GRCh37 (hg19) VCF-style: chr1-193107224-T-C.
Other names: short protein forms C145R.
Identifiers: ClinVar variation 1026594 (VCV001026594.11), dbSNP rs1675832296, ClinGen allele CA343961036.

ClinVar aggregate classification (germline): Uncertain significance. Review status: criteria provided, multiple submitters, no conflicts (2 of 4 stars). 2 submissions from 2 submitters: Uncertain significance (2). Last evaluated 2025-11-10.

Conditions:
Hereditary cancer-predisposing syndrome. Also called: Neoplastic Syndromes, Hereditary; Tumor predisposition; Hereditary Cancer Syndrome; Hereditary neoplastic syndrome. Identifiers: Orphanet 140162, MedGen C0027672, MeSH D009386, MONDO:0015356.
Parathyroid carcinoma (PRTC). Also called: CDC73-Related Parathyroid Carcinoma; Parathyroid gland carcinoma. Identifiers: Orphanet 143, MedGen C0687150, MONDO:0012004, OMIM 608266, HP:0006780.

Submissions (2):

Labcorp Genetics (formerly Invitae), Labcorp
Classification: Uncertain significance for Parathyroid carcinoma. Last evaluated: 2025-11-10. Review status: criteria provided, single submitter. Criteria: Invitae Variant Classification Sherloc (09022015). Collection method: clinical testing. Allele origin: germline.
Comment: This sequence change replaces cysteine, which is neutral and slightly polar, with arginine, which is basic and polar, at codon 145 of the CDC73 protein (p.Cys145Arg). This variant is not present in population databases (gnomAD no frequency). This variant has not been reported in the literature in individuals affected with CDC73-related conditions. ClinVar contains an entry for this variant (Variation ID: 1026594). An algorithm developed to predict the effect of missense changes on protein structure and function (PolyPhen-2) suggests that this variant is likely to be tolerated. In summary, the available evidence is currently insufficient to determine the role of this variant in disease. Therefore, it has been classified as a Variant of Uncertain Significance.

Ambry Genetics
Classification: Uncertain significance for Hereditary cancer-predisposing syndrome. Last evaluated: 2023-12-15. Review status: criteria provided, single submitter. Criteria: Ambry Variant Classification Scheme 2023. Collection method: clinical testing. Allele origin: germline.
Comment: The p.C145R variant (also known as c.433T>C), located in coding exon 6 of the CDC73 gene, results from a T to C substitution at nucleotide position 433. The cysteine at codon 145 is replaced by arginine, an amino acid with highly dissimilar properties. This amino acid position is well conserved in available vertebrate species. In addition, this alteration is predicted to be tolerated by in silico analysis. Since supporting evidence is limited at this time, the clinical significance of this alteration remains unclear.